The following is an entry in ClinVar:

NM_007194.4(CHEK2):c.980delinsTG (p.Tyr327fs)

Gene: CHEK2 (checkpoint kinase 2; minus strand). Cytogenetic location: 22q12.1.
Variant type: Indel.
Coding change: c.980delinsTG on transcript NM_007194.4 (MANE Select); coding-DNA position 980, A replaced by TG.
Protein change: p.Tyr327fs; shifts the reading frame from tyrosine 327.
Molecular consequence: frameshift variant.
Genome position (GRCh38, 1-based): chr22:28,699,866, T replaced by CA on the plus strand (A replaced by TG on the coding strand, the reverse complement: CHEK2 is on the minus strand). VCF-style: chr22-28699866-T-CA. GRCh37 (hg19) VCF-style: chr22-29095854-T-CA.
Other names: c.1109delAinsTG, p.Tyr370Leufs (NM_001005735.3); c.317delAinsTG, p.Tyr106Leufs (NM_001257387.3); c.779delAinsTG, p.Tyr260Leufs (NM_001349956.3); c.980delAinsTG, p.Tyr327Leufs (NM_145862.3); short protein forms Y106fs, Y260fs, Y327fs, Y370fs.
Identifiers: ClinVar variation 3226048 (VCV003226048.1), dbSNP rs2517848216, ClinGen allele CA2695230480.

ClinVar aggregate classification (germline): Pathogenic (1 of 4 stars; one submission).

Conditions:
Hereditary cancer-predisposing syndrome. Also called: Neoplastic Syndromes, Hereditary; Tumor predisposition; Hereditary neoplastic syndrome; Hereditary Cancer Syndrome. Identifiers: Orphanet 140162, MedGen C0027672, MeSH D009386, MONDO:0015356.

Submission:

Ambry Genetics
Classification: Pathogenic for Hereditary cancer-predisposing syndrome. Last evaluated: 2024-02-01. Review status: criteria provided, single submitter. Criteria: Ambry Variant Classification Scheme 2023. Collection method: clinical testing. Allele origin: germline.
Comment: The c.980delAinsTG pathogenic mutation, located in coding exon 8 of the CHEK2 gene, results from the deletion of one nucleotide and insertion of two nucleotides causing a translational frameshift with a predicted alternate stop codon (p.Y327Lfs*14). This variant is considered to be rare based on population cohorts in the Genome Aggregation Database (gnomAD). This alteration is expected to result in loss of function by premature protein truncation or nonsense-mediated mRNA decay. As such, this alteration is interpreted as a disease-causing mutation.